The following is an entry in ClinVar:

NM_003482.4(KMT2D):c.14951G>A (p.Gly4984Glu)

Gene: KMT2D (lysine methyltransferase 2D; minus strand). Cytogenetic location: 12q13.12.
Variant type: single nucleotide variant.
Coding change: c.14951G>A on transcript NM_003482.4 (MANE Select); coding-DNA position 14951, G replaced by A.
Protein change: p.Gly4984Glu; replaces glycine 4984 with glutamic acid.
Molecular consequence: missense variant.
Genome position (GRCh38, 1-based): chr12:49,027,015, C>T on the plus strand (G>A on the coding strand, the complement: KMT2D is on the minus strand). VCF-style: chr12-49027015-C-T. GRCh37 (hg19) VCF-style: chr12-49420798-C-T.
Other names: short protein forms G4984E.
Identifiers: ClinVar variation 2833336 (VCV002833336.3), dbSNP rs1942631801, ClinGen allele CA384691104.

ClinVar aggregate classification (germline): Uncertain significance (1 of 4 stars; one submission).

Conditions:
Kabuki syndrome. Also called: NIIKAWA-KUROKI SYNDROME; Kabuki make-up syndrome. Identifiers: Orphanet 2322, MedGen C0796004, MONDO:0016512.

Allele frequency attached by ClinVar (database versions not stated): TOPMed below 0.00001.

Submission:

Labcorp Genetics (formerly Invitae), Labcorp
Classification: Uncertain significance for Kabuki syndrome. Last evaluated: 2022-11-29. Review status: criteria provided, single submitter. Criteria: Invitae Variant Classification Sherloc (09022015). Collection method: clinical testing. Allele origin: germline.
Comment: In summary, the available evidence is currently insufficient to determine the role of this variant in disease. Therefore, it has been classified as a Variant of Uncertain Significance. Advanced modeling of protein sequence and biophysical properties (such as structural, functional, and spatial information, amino acid conservation, physicochemical variation, residue mobility, and thermodynamic stability) performed at Invitae indicates that this missense variant is not expected to disrupt KMT2D protein function. This variant has not been reported in the literature in individuals affected with KMT2D-related conditions. This variant is not present in population databases (gnomAD no frequency). This sequence change replaces glycine, which is neutral and non-polar, with glutamic acid, which is acidic and polar, at codon 4984 of the KMT2D protein (p.Gly4984Glu).